The following is an entry in ClinVar:

NM_001395413.1(POR):c.891G>C (p.Glu297Asp)

Genes: POR (cytochrome p450 oxidoreductase; plus strand), LOC126860075 (CDK7 strongly-dependent group 2 enhancer GRCh37_chr7:75612087-75613286; plus strand). Cytogenetic location: 7q11.23.
Variant type: single nucleotide variant.
Coding change: c.891G>C on transcript NM_001395413.1 (MANE Select); coding-DNA position 891, G replaced by C.
Protein change: p.Glu297Asp; replaces glutamic acid 297 with aspartic acid.
Molecular consequence: missense variant.
Genome position (GRCh38, 1-based): chr7:75,983,589, G>C. VCF-style: chr7-75983589-G-C. GRCh37 (hg19) VCF-style: chr7-75612907-G-C.
Other names: c.900G>C, p.Glu300Asp (NM_000941.3); c.891G>C, p.Glu297Asp (NM_001367562.3, NM_001382657.2, NM_001382658.3 and 2 more transcripts); c.945G>C, p.Glu315Asp (NM_001382655.3); short protein forms E297D, E300D, E315D.
Identifiers: ClinVar variation 1722264 (VCV001722264.6), dbSNP rs2116612743, ClinGen allele CA367748794.

ClinVar aggregate classification (germline): Uncertain significance (1 of 4 stars; one submission).

Conditions:
Congenital adrenal hyperplasia due to cytochrome P450 oxidoreductase deficiency. Also called: DISORDERED STEROIDOGENESIS DUE TO POR DEFICIENCY. Identifiers: Orphanet 95699, MedGen C1860042, MONDO:0013310, OMIM 613571.

Submission:

Labcorp Genetics (formerly Invitae), Labcorp
Classification: Uncertain significance for Congenital adrenal hyperplasia due to cytochrome P450 oxidoreductase deficiency. Last evaluated: 2022-07-21. Review status: criteria provided, single submitter. Criteria: Invitae Variant Classification Sherloc (09022015). Collection method: clinical testing. Allele origin: germline.
Comment: In summary, the available evidence is currently insufficient to determine the role of this variant in disease. Therefore, it has been classified as a Variant of Uncertain Significance. Algorithms developed to predict the effect of missense changes on protein structure and function (SIFT, PolyPhen-2, Align-GVGD) all suggest that this variant is likely to be tolerated. This sequence change replaces glutamic acid, which is acidic and polar, with aspartic acid, which is acidic and polar, at codon 300 of the POR protein (p.Glu300Asp). This variant is not present in population databases (gnomAD no frequency). This variant has not been reported in the literature in individuals affected with POR-related conditions.